The following is an entry in ClinVar:

NM_001042492.3(NF1):c.7970+7dup

Gene: NF1 (neurofibromin 1; plus strand). Cytogenetic location: 17q11.2.
Variant type: Duplication.
Coding change: c.7970+7dup on transcript NM_001042492.3 (MANE Select); 7 bases into the intron after coding-DNA position 7970, one base duplicated (A; older notation c.7970+7dupA).
Molecular consequence: intron variant.
Genome position (GRCh38, 1-based): chr17:31,357,376, A duplicated. VCF-style (leftmost placement, unchanged base first): chr17-31357375-T-TA. GRCh37 (hg19) VCF-style: chr17-29684393-T-TA.
Other names: c.7907+7dup (NM_000267.4).
Identifiers: ClinVar variation 2885401 (VCV002885401.4), dbSNP rs2508830563, ClinGen allele CA2739267300.
Genomic context (GRCh38, chr17:31,357,375, plus strand): 5'-TTTATGAATACTTAGCAGAGGCCAGTGTTGTGTTTCCCAAAGTCTTTCCTGTTGTGTAAG[T>TA]ATCTCCTTTTGATTTTAATTCACCTTCGTGCCTGTCTTTAAGTTAAATGCTTACCCAGTA-3'

ClinVar aggregate classification (germline): Likely benign. Review status: criteria provided, multiple submitters, no conflicts (2 of 4 stars). 2 submissions from 2 submitters: Likely benign (2). Last evaluated 2026-05-14.

Conditions:
Neurofibromatosis, type 1 (NF1). Also called: VON RECKLINGHAUSEN DISEASE; NEUROFIBROMATOSIS, TYPE I, SOMATIC; Neurofibromatosis, type I; Peripheral type neurofibromatosis. Identifiers: Orphanet 636, MedGen C0027831, MONDO:0018975, OMIM 162200. Disease mechanism: loss of function.

Submissions (2):

Myriad Genetics, Inc.
Classification: Likely benign for Neurofibromatosis, type 1. Last evaluated: 2026-05-14. Review status: criteria provided, single submitter. Criteria: Myriad Autosomal Dominant, Autosomal Recessive and X-Linked Classification Criteria (2023). Collection method: clinical testing. Allele origin: unknown.
Comment: This variant is considered likely benign. This variant is intronic and is not expected to impact mRNA splicing.

Labcorp Genetics (formerly Invitae), Labcorp
Classification: Likely benign for Neurofibromatosis, type 1. Last evaluated: 2024-09-04. Review status: criteria provided, single submitter. Criteria: Invitae Variant Classification Sherloc (09022015). Collection method: clinical testing. Allele origin: germline.